The following is an entry in ClinVar:

ClinVar aggregate classification (germline): Uncertain significance (1 of 4 stars; one submission).

Conditions:
Lysinuric protein intolerance (LPI). Identifiers: Orphanet 470, MedGen C0268647, MONDO:0009109, OMIM 222700.

gnomAD v4.1: 2 of 1,614,156 alleles (0.00012%); highest among the groups gnomAD compares: South Asian, 0.0022%; no homozygotes.

Submission:

Labcorp Genetics (formerly Invitae), Labcorp
Classification: Uncertain significance for Lysinuric protein intolerance. Last evaluated: 2026-01-12. Review status: criteria provided, single submitter. Criteria: Invitae Variant Classification Sherloc (09022015). Collection method: clinical testing. Allele origin: germline.
Comment: This sequence change replaces phenylalanine, which is neutral and non-polar, with serine, which is neutral and polar, at codon 218 of the SLC7A7 protein (p.Phe218Ser). This variant is not present in population databases (gnomAD no frequency). This variant has not been reported in the literature in individuals affected with SLC7A7-related conditions. An algorithm developed to predict the effect of missense changes on protein structure and function (PolyPhen-2) suggests that this variant is likely to be disruptive. In summary, the available evidence is currently insufficient to determine the role of this variant in disease. Therefore, it has been classified as a Variant of Uncertain Significance.

NM_003982.4(SLC7A7):c.653T>C (p.Phe218Ser)

Gene: SLC7A7 (solute carrier family 7 member 7; minus strand). Cytogenetic location: 14q11.2.
Variant type: single nucleotide variant.
Coding change: c.653T>C on transcript NM_003982.4 (MANE Select); coding-DNA position 653, T replaced by C.
Protein change: p.Phe218Ser; replaces phenylalanine 218 with serine.
Molecular consequence: missense variant.
Genome position (GRCh38, 1-based): chr14:22,778,910, A>G on the plus strand (T>C on the coding strand, the complement: SLC7A7 is on the minus strand). VCF-style: chr14-22778910-A-G. GRCh37 (hg19) VCF-style: chr14-23248119-A-G.
Other names: c.653T>C, p.Phe218Ser (NM_001126105.3, NM_001126106.4); short protein forms F218S.
Identifiers: ClinVar variation 4766081 (VCV004766081.1).
Genomic context (GRCh38, chr14:22,778,910, plus strand): 5'-GAGAACAGAGCTGAGTACAGTGCCAGGGCAATGTCACCCACTGCAAATGATGAACCCTCA[A>G]AGGAATTCTCAAAATGAGTAGAGGCTCCTGGAACCCAAGAACATTGGAAGGCAGGGGATT-3'
Protein context (NP_003973.3, residues 208-228): QGASTHFENS[Phe218Ser]EGSSFAVGDI